The following is an entry in ClinVar:

NM_024675.4(PALB2):c.2659A>G (p.Ile887Val)

Gene: PALB2 (partner and localizer of BRCA2; minus strand). Cytogenetic location: 16p12.2.
Variant type: single nucleotide variant.
Coding change: c.2659A>G on transcript NM_024675.4 (MANE Select); coding-DNA position 2659, A replaced by G.
Protein change: p.Ile887Val; replaces isoleucine 887 with valine.
Molecular consequence: missense variant.
Genome position (GRCh38, 1-based): chr16:23,626,325, T>C on the plus strand (A>G on the coding strand, the complement: PALB2 is on the minus strand). VCF-style: chr16-23626325-T-C. GRCh37 (hg19) VCF-style: chr16-23637646-T-C.
Other names: short protein forms I887V.
Identifiers: ClinVar variation 576302 (VCV000576302.25), dbSNP rs533814557, ClinGen allele CA279489088.

ClinVar aggregate classification (germline): Uncertain significance. Review status: criteria provided, multiple submitters, no conflicts (2 of 4 stars). 8 submissions from 8 submitters: Uncertain significance (8). Last evaluated 2026-01-25.

Conditions:
Breast-ovarian cancer, familial, susceptibility to, 5 (BROVCA5). Identifiers: MedGen C5830615, MONDO:0957530, OMIM 620442.
Pancreatic cancer, susceptibility to, 3. Identifiers: Orphanet 1333, MedGen C3150547, MONDO:0013236, OMIM 613348.
Familial cancer of breast. Also called: BREAST CANCER, FAMILIAL; Hereditary breast cancer; hereditary breast carcinoma. Identifiers: Orphanet 227535, MedGen C0346153, MONDO:0016419, OMIM 114480. Disease mechanism: loss of function.
Fanconi anemia complementation group N. Also called: PALB2-Related Fanconi Anemia. Identifiers: Orphanet 84, MedGen C1835817, MONDO:0012565, OMIM 610832. Disease mechanism: loss of function.
Hereditary cancer-predisposing syndrome. Also called: Neoplastic Syndromes, Hereditary; Hereditary Cancer Syndrome; Hereditary neoplastic syndrome; Tumor predisposition. Identifiers: Orphanet 140162, MedGen C0027672, MeSH D009386, MONDO:0015356.

Allele frequency attached by ClinVar (database versions not stated): gnomAD 0.00001; 1000 Genomes Project 30x 0.00016; 1000 Genomes Project 0.00020.
gnomAD v4.1: 3 of 1,614,202 alleles (0.00019%); highest among the groups gnomAD compares: African/African-American, 0.0013%; no homozygotes.

Submissions (8):

Labcorp Genetics (formerly Invitae), Labcorp
Classification: Uncertain significance for Familial cancer of breast. Last evaluated: 2026-01-25. Review status: criteria provided, single submitter. Criteria: Invitae Variant Classification Sherloc (09022015). Collection method: clinical testing. Allele origin: germline.
Comment: This sequence change replaces isoleucine, which is neutral and non-polar, with valine, which is neutral and non-polar, at codon 887 of the PALB2 protein (p.Ile887Val). This variant is not present in population databases (gnomAD no frequency). This variant has not been reported in the literature in individuals affected with PALB2-related conditions. ClinVar contains an entry for this variant (Variation ID: 576302). Invitae Evidence Modeling of protein sequence and biophysical properties (such as structural, functional, and spatial information, amino acid conservation, physicochemical variation, residue mobility, and thermodynamic stability) indicates that this missense variant is not expected to disrupt PALB2 protein function with a negative predictive value of 80%. In summary, the available evidence is currently insufficient to determine the role of this variant in disease. Therefore, it has been classified as a Variant of Uncertain Significance.

Dasa
Classification: Uncertain significance for Breast-ovarian cancer, familial, susceptibility to, 5. Last evaluated: 2025-06-22. Review status: criteria provided, single submitter. Criteria: DASA Assertion Criteria. Collection method: clinical testing. Allele origin: germline.
Comment: NM_024675.4(PALB2):c.2659A>G (p.Ile887Val) is a missense variant that results in the substitution of isoleucine with valine. This variant is rare in population databases. The currently available literature and clinical evidence are not sufficient to establish a definitive association between this variant and the reported condition. Therefore, this variant is classified as a variant of uncertain significance.

Ambry Genetics
Classification: Uncertain significance for Hereditary cancer-predisposing syndrome. Last evaluated: 2024-02-11. Review status: criteria provided, single submitter. Criteria: Ambry Variant Classification Scheme 2023. Collection method: clinical testing. Allele origin: germline.
Comment: The p.I887V variant (also known as c.2659A>G), located in coding exon 7 of the PALB2 gene, results from an A to G substitution at nucleotide position 2659. The isoleucine at codon 887 is replaced by valine, an amino acid with highly similar properties. This amino acid position is well conserved in available vertebrate species. In addition, this alteration is predicted to be tolerated by in silico analysis. Since supporting evidence is limited at this time, the clinical significance of this alteration remains unclear.

Baylor Genetics
Classification: Uncertain significance for Familial cancer of breast. Last evaluated: 2023-12-28. Review status: criteria provided, single submitter. Criteria: ACMG Guidelines, 2015. Collection method: clinical testing. Allele origin: unknown.

Laboratorio de Genetica e Diagnostico Molecular, Hospital Israelita Albert Einstein
Classification: Uncertain significance for Familial cancer of breast. Last evaluated: 2022-09-02. Review status: criteria provided, single submitter. Criteria: ACMG Guidelines, 2015. Collection method: clinical testing. Allele origin: germline. Affected: yes. Observed: 1 variant allele.
Comment: ACMG classification criteria: BP4 supporting

Color Diagnostics, LLC DBA Color Health
Classification: Uncertain significance for Hereditary cancer-predisposing syndrome. Last evaluated: 2022-07-11. Review status: criteria provided, single submitter. Criteria: ACMG Guidelines, 2015. Collection method: clinical testing. Allele origin: germline.
Comment: This missense variant replaces isoleucine with valine at codon 887 of the PALB2 protein. Computational prediction suggests that this variant may not impact protein structure and function (internally defined REVEL score threshold <= 0.5, PMID: 27666373). To our knowledge, functional studies have not been reported for this variant. This variant has not been reported in individuals affected with hereditary cancer in the literature. This variant has not been identified in the general population by the Genome Aggregation Database (gnomAD). The available evidence is insufficient to determine the role of this variant in disease conclusively. Therefore, this variant is classified as a Variant of Uncertain Significance.

Fulgent Genetics
Classification: Uncertain significance for Familial cancer of breast; Fanconi anemia complementation group N; Pancreatic cancer, susceptibility to, 3. Last evaluated: 2021-11-30. Review status: criteria provided, single submitter. Criteria: ACMG Guidelines, 2015. Collection method: clinical testing. Allele origin: unknown.

Revvity Omics, Revvity
Classification: Uncertain significance. Last evaluated: 2021-09-27. Review status: criteria provided, single submitter. Criteria: ACMG Guidelines, 2015. Collection method: clinical testing. Allele origin: germline.